The following is an entry in ClinVar:

ClinVar aggregate classification (germline): Uncertain significance. Review status: criteria provided, multiple submitters, no conflicts (2 of 4 stars). 2 submissions from 2 submitters: Uncertain significance (2). Last evaluated 2025-08-18.

Conditions:
Cone-rod dystrophy 2 (CORD2). Also called: CONE-ROD RETINAL DYSTROPHY; Cone-rod retinal dystrophy 2. Identifiers: Orphanet 1872, MedGen C3489532, MONDO:0007362, OMIM 120970.
Leber congenital amaurosis 7 (LCA7). Identifiers: Orphanet 65, MedGen C3151192, MONDO:0013449, OMIM 613829.

Allele frequency attached by ClinVar (database versions not stated): ExAC 0.00001; gnomAD 0.00001; gnomAD exomes 0.00001 and 0.00002.
gnomAD v4.1: 20 of 1,613,466 alleles (0.0012%); highest among the groups gnomAD compares: Admixed American, 0.005%; no homozygotes.

Submissions (2):

Labcorp Genetics (formerly Invitae), Labcorp
Classification: Uncertain significance for Cone-rod dystrophy 2; Leber congenital amaurosis 7. Last evaluated: 2025-08-18. Review status: criteria provided, single submitter. Criteria: Invitae Variant Classification Sherloc (09022015). Collection method: clinical testing. Allele origin: germline.
Comment: This sequence change replaces methionine, which is neutral and non-polar, with leucine, which is neutral and non-polar, at codon 225 of the CRX protein (p.Met225Leu). This variant is present in population databases (rs765976845, gnomAD 0.006%). This missense change has been observed in individual(s) with autosomal dominant cone-rod dystrophy (internal data). ClinVar contains an entry for this variant (Variation ID: 1460515). Invitae Evidence Modeling of protein sequence and biophysical properties (such as structural, functional, and spatial information, amino acid conservation, physicochemical variation, residue mobility, and thermodynamic stability) has been performed for this missense variant. However, the output from this modeling did not meet the statistical confidence thresholds required to predict the impact of this variant on CRX protein function. In summary, the available evidence is currently insufficient to determine the role of this variant in disease. Therefore, it has been classified as a Variant of Uncertain Significance.

Blueprint Genetics
Classification: Uncertain significance. Last evaluated: 2024-10-29. Review status: criteria provided, single submitter. Criteria: ACMG Guidelines, 2015. Collection method: clinical testing. Allele origin: germline.

NM_000554.6(CRX):c.673A>C (p.Met225Leu)

Gene: CRX (cone-rod homeobox; plus strand). Cytogenetic location: 19q13.33.
Variant type: single nucleotide variant.
Coding change: c.673A>C on transcript NM_000554.6 (MANE Select); coding-DNA position 673, A replaced by C.
Protein change: p.Met225Leu; replaces methionine 225 with leucine.
Molecular consequence: missense variant.
Genome position (GRCh38, 1-based): chr19:47,839,740, A>C. VCF-style: chr19-47839740-A-C. GRCh37 (hg19) VCF-style: chr19-48342997-A-C.
Other names: short protein forms M225L.
Identifiers: ClinVar variation 1460515 (VCV001460515.7), dbSNP rs765976845, ClinGen allele CA9544550.